The following is an entry in ClinVar:

ClinVar aggregate classification (germline): Likely benign (0 of 4 stars; one submission).

Conditions:
SYP-related disorder. Also called: SYP-related condition.

Allele frequency attached by ClinVar (database versions not stated): gnomAD exomes below 0.00001.

Submission:

PreventionGenetics, part of Exact Sciences
Classification: Likely benign for SYP-related condition. Last evaluated: 2023-11-27. Review status: no assertion criteria provided. Collection method: clinical testing. Allele origin: germline.
Comment: This variant is classified as likely benign based on ACMG/AMP sequence variant interpretation guidelines (Richards et al. 2015 PMID: 25741868, with internal and published modifications).

NM_003179.3(SYP):c.603C>T (p.Leu201=)

Gene: SYP (synaptophysin; minus strand). Cytogenetic location: Xp11.23.
Variant type: single nucleotide variant.
Coding change: c.603C>T on transcript NM_003179.3 (MANE Select); coding-DNA position 603, C replaced by T.
Protein change: p.Leu201=; no amino-acid change (leucine 201 retained).
Molecular consequence: synonymous variant.
Genome position (GRCh38, 1-based): chrX:49,193,284, G>A on the plus strand (C>T on the coding strand, the complement: SYP is on the minus strand). VCF-style: chrX-49193284-G-A. GRCh37 (hg19) VCF-style: chrX-49049741-G-A.
Identifiers: ClinVar variation 3039461 (VCV003039461.2), dbSNP rs1557102977, ClinGen allele CA516052493.